The following is an entry in ClinVar:

ClinVar aggregate classification (germline): Uncertain significance. Review status: criteria provided, multiple submitters, no conflicts (2 of 4 stars). 2 submissions from 2 submitters: Uncertain significance (2). Last evaluated 2025-12-09.

Conditions:
Juvenile polyposis syndrome (JPS). Identifiers: Orphanet 2929, MedGen C0345893, MONDO:0017380, OMIM 174900.
Hereditary cancer-predisposing syndrome. Also called: Hereditary neoplastic syndrome; Neoplastic Syndromes, Hereditary; Tumor predisposition; Hereditary Cancer Syndrome. Identifiers: Orphanet 140162, MedGen C0027672, MeSH D009386, MONDO:0015356.

Submissions (2):

Labcorp Genetics (formerly Invitae), Labcorp
Classification: Uncertain significance for Juvenile polyposis syndrome. Last evaluated: 2025-12-09. Review status: criteria provided, single submitter. Criteria: Invitae Variant Classification Sherloc (09022015). Collection method: clinical testing. Allele origin: germline.
Comment: This sequence change replaces arginine, which is basic and polar, with threonine, which is neutral and polar, at codon 329 of the BMPR1A protein (p.Arg329Thr). This variant is not present in population databases (gnomAD no frequency). This variant has not been reported in the literature in individuals affected with BMPR1A-related conditions. ClinVar contains an entry for this variant (Variation ID: 460521). Invitae Evidence Modeling of protein sequence and biophysical properties (such as structural, functional, and spatial information, amino acid conservation, physicochemical variation, residue mobility, and thermodynamic stability) has been performed for this missense variant. However, the output from this modeling did not meet the statistical confidence thresholds required to predict the impact of this variant on BMPR1A protein function. In summary, the available evidence is currently insufficient to determine the role of this variant in disease. Therefore, it has been classified as a Variant of Uncertain Significance.

Ambry Genetics
Classification: Uncertain significance for Hereditary cancer-predisposing syndrome. Last evaluated: 2022-05-12. Review status: criteria provided, single submitter. Criteria: Ambry Variant Classification Scheme 2023. Collection method: clinical testing. Allele origin: germline.
Comment: The p.R329T variant (also known as c.986G>C), located in coding exon 8 of the BMPR1A gene, results from a G to C substitution at nucleotide position 986. The arginine at codon 329 is replaced by threonine, an amino acid with similar properties. This amino acid position is conserved. In addition, this alteration is predicted to be tolerated by in silico analysis. Since supporting evidence is limited at this time, the clinical significance of this alteration remains unclear.

NM_004329.3(BMPR1A):c.986G>C (p.Arg329Thr)

Gene: BMPR1A (bone morphogenetic protein receptor type 1A; plus strand). Cytogenetic location: 10q23.2.
Variant type: single nucleotide variant.
Coding change: c.986G>C on transcript NM_004329.3 (MANE Select); coding-DNA position 986, G replaced by C.
Protein change: p.Arg329Thr; replaces arginine 329 with threonine.
Molecular consequence: missense variant.
Genome position (GRCh38, 1-based): chr10:86,919,289, G>C. VCF-style: chr10-86919289-G-C. GRCh37 (hg19) VCF-style: chr10-88679046-G-C.
Other names: short protein forms R329T.
Identifiers: ClinVar variation 460521 (VCV000460521.12), dbSNP rs1554891054, ClinGen allele CA377460416.
Genomic context (GRCh38, chr10:86,919,289, plus strand): 5'-CTGATTACCATGAAAATGGATCTCTCTATGACTTCCTGAAATGTGCTACACTGGACACCA[G>C]AGCCCTGCTTAAATTGGCTTATTCAGCTGCCTGTGGTCTGTGCCACCTGCACACAGAAAT-3'
Protein context (NP_004320.2, residues 319-339): DFLKCATLDT[Arg329Thr]ALLKLAYSAA